The following is an entry in ClinVar:

NM_002474.3(MYH11):c.4949T>A (p.Leu1650Gln)

Genes: NDE1 (nudE neurodevelopment protein 1; plus strand), MYH11 (myosin heavy chain 11; minus strand). Cytogenetic location: 16p13.11.
Variant type: single nucleotide variant.
Coding change: c.4949T>A on transcript NM_002474.3 (MANE Select); coding-DNA position 4949, T replaced by A.
Protein change: p.Leu1650Gln; replaces leucine 1650 with glutamine.
Molecular consequence: missense variant. On other transcripts: intron variant (2).
Genome position (GRCh38, 1-based): chr16:15,720,155, A>T on the plus strand (T>A on the coding strand, the complement: MYH11 is on the minus strand). VCF-style: chr16-15720155-A-T. GRCh37 (hg19) VCF-style: chr16-15814012-A-T.
Other names: c.4970T>A, p.Leu1657Gln (NM_001040113.2, NM_001040114.2); c.4949T>A, p.Leu1650Gln (NM_022844.3); c.948-4036A>T (NM_001143979.2, NM_017668.3); short protein forms L1650Q, L1657Q.
Identifiers: ClinVar variation 1744306 (VCV001744306.4), dbSNP rs1242915320, ClinGen allele CA394852217.

ClinVar aggregate classification (germline): Uncertain significance. Review status: criteria provided, multiple submitters, no conflicts (2 of 4 stars). 2 submissions from 2 submitters: Uncertain significance (2). Last evaluated 2025-01-29.

Conditions:
Familial thoracic aortic aneurysm and aortic dissection (TAAD). Also called: Thoracic aortic aneurysms and dissections. Identifiers: Orphanet 91387, MedGen C4707243, MONDO:0019625.
Aortic aneurysm, familial thoracic 4 (AAT4). Also called: AORTIC ANEURYSM/AORTIC DISSECTION AND PATENT DUCTUS ARTERIOSUS. Identifiers: MedGen C1851504, MONDO:0007568, OMIM 132900.

Allele frequency attached by ClinVar (database versions not stated): gnomAD 0.00001; gnomAD exomes 0.00001; TOPMed 0.00002.
gnomAD v4.1: 12 of 1,613,900 alleles (0.00074%); highest among the groups gnomAD compares: African/African-American, 0.004%; no homozygotes.

Submissions (2):

Labcorp Genetics (formerly Invitae), Labcorp
Classification: Uncertain significance for Aortic aneurysm, familial thoracic 4. Last evaluated: 2025-01-29. Review status: criteria provided, single submitter. Criteria: Invitae Variant Classification Sherloc (09022015). Collection method: clinical testing. Allele origin: germline.
Comment: This sequence change replaces leucine, which is neutral and non-polar, with glutamine, which is neutral and polar, at codon 1657 of the MYH11 protein (p.Leu1657Gln). This variant is present in population databases (no rsID available, gnomAD 0.007%). This variant has not been reported in the literature in individuals affected with MYH11-related conditions. ClinVar contains an entry for this variant (Variation ID: 1744306). Invitae Evidence Modeling of protein sequence and biophysical properties (such as structural, functional, and spatial information, amino acid conservation, physicochemical variation, residue mobility, and thermodynamic stability) indicates that this missense variant is not expected to disrupt MYH11 protein function with a negative predictive value of 95%. In summary, the available evidence is currently insufficient to determine the role of this variant in disease. Therefore, it has been classified as a Variant of Uncertain Significance.

Ambry Genetics
Classification: Uncertain significance for Familial thoracic aortic aneurysm and aortic dissection. Last evaluated: 2021-07-07. Review status: criteria provided, single submitter. Criteria: Ambry Variant Classification Scheme 2023. Collection method: clinical testing. Allele origin: germline.
Comment: The p.L1650Q variant (also known as c.4949T>A), located in coding exon 33 of the MYH11 gene, results from a T to A substitution at nucleotide position 4949. The leucine at codon 1650 is replaced by glutamine, an amino acid with dissimilar properties. This amino acid position is conserved. In addition, this alteration is predicted to be deleterious by in silico analysis. Since supporting evidence is limited at this time, the clinical significance of this alteration remains unclear.